The following is an entry in ClinVar:

ClinVar aggregate classification (germline): Uncertain significance (1 of 4 stars; one submission).

Allele frequency attached by ClinVar (database versions not stated): gnomAD exomes below 0.00001; gnomAD 0.00002.
gnomAD v4.1: 6 of 1,612,966 alleles (0.00037%); highest among the groups gnomAD compares: East Asian, 0.0022%; no homozygotes.

Submission:

GeneDx
Classification: Uncertain significance. Last evaluated: 2019-11-10. Review status: criteria provided, single submitter. Criteria: GeneDx Variant Classification Process June 2021. Collection method: clinical testing. Allele origin: germline. Affected: yes.
Comment: Not observed in large population cohorts (Lek et al., 2016); In silico analysis, which includes protein predictors and evolutionary conservation, supports a deleterious effect; Has not been previously published as pathogenic or benign to our knowledge

NM_000214.3(JAG1):c.2113C>T (p.Arg705Cys)

Gene: JAG1 (jagged canonical Notch ligand 1; minus strand). Cytogenetic location: 20p12.2.
Variant type: single nucleotide variant.
Coding change: c.2113C>T on transcript NM_000214.3 (MANE Select); coding-DNA position 2113, C replaced by T.
Protein change: p.Arg705Cys; replaces arginine 705 with cysteine.
Molecular consequence: missense variant.
Genome position (GRCh38, 1-based): chr20:10,645,356, G>A on the plus strand (C>T on the coding strand, the complement: JAG1 is on the minus strand). VCF-style: chr20-10645356-G-A. GRCh37 (hg19) VCF-style: chr20-10626004-G-A.
Other names: short protein forms R705C.
Identifiers: ClinVar variation 1320339 (VCV001320339.2), dbSNP rs1436816052, ClinGen allele CA408235376.
Genomic context (GRCh38, chr20:10,645,356, plus strand): 5'-TCCCACAGAAGACAGAGGGAAGGGTCCCAGAGATAGCATCCAAGGCCAACTACCACTTAC[G>A]TGAGTGGCAGGTCTTTCCTTTCCACCCATTTTTACAGTCACAGTAGAAGTCATTGACCAG-3'
Protein context (NP_000205.1, residues 695-715): NGWKGKTCHS[Arg705Cys]DSQCDEATCN